The following is an entry in ClinVar:

NM_001008212.2(OPTN):c.1418C>G (p.Ser473Cys)

Gene: OPTN (optineurin; plus strand). Cytogenetic location: 10p13.
Variant type: single nucleotide variant.
Coding change: c.1418C>G on transcript NM_001008212.2 (MANE Select); coding-DNA position 1418, C replaced by G.
Protein change: p.Ser473Cys; replaces serine 473 with cysteine.
Molecular consequence: missense variant.
Genome position (GRCh38, 1-based): chr10:13,132,083, C>G. VCF-style: chr10-13132083-C-G. GRCh37 (hg19) VCF-style: chr10-13174083-C-G.
Other names: c.1418C>G, p.Ser473Cys (NM_001008211.1, NM_001008213.1, NM_021980.4); short protein forms S473C.
Identifiers: ClinVar variation 5040497 (VCV005040497.1).

ClinVar aggregate classification (germline): Uncertain significance (1 of 4 stars; one submission).

Submission:

CeGaT Center for Human Genetics Tuebingen
Classification: Uncertain significance. Last evaluated: 2026-08-01. Review status: criteria provided, single submitter. Criteria: CeGaT Center For Human Genetics Tuebingen Variant Classification Criteria Version 2. Collection method: clinical testing. Allele origin: germline. Affected: yes. Observed: 1 variant allele.
Comment: OPTN: PM2